The following is an entry in ClinVar:

NM_017841.4(SDHAF2):c.320G>T (p.Arg107Leu)

Gene: SDHAF2 (succinate dehydrogenase complex assembly factor 2; plus strand). Cytogenetic location: 11q12.2.
Variant type: single nucleotide variant.
Coding change: c.320G>T on transcript NM_017841.4 (MANE Select); coding-DNA position 320, G replaced by T.
Protein change: p.Arg107Leu; replaces arginine 107 with leucine.
Molecular consequence: missense variant.
Genome position (GRCh38, 1-based): chr11:61,438,063, G>T. VCF-style: chr11-61438063-G-T. GRCh37 (hg19) VCF-style: chr11-61205535-G-T.
Other names: short protein forms R107L.
Identifiers: ClinVar variation 2892270 (VCV002892270.5), dbSNP rs535627239, ClinGen allele CA380684147.

ClinVar aggregate classification (germline): Uncertain significance. Review status: criteria provided, multiple submitters, no conflicts (2 of 4 stars). 3 submissions from 3 submitters: Uncertain significance (3). Last evaluated 2025-06-12.

Conditions:
Hereditary cancer-predisposing syndrome. Also called: Neoplastic Syndromes, Hereditary; Tumor predisposition; Hereditary Cancer Syndrome; Hereditary neoplastic syndrome. Identifiers: Orphanet 140162, MedGen C0027672, MeSH D009386, MONDO:0015356.
Hereditary pheochromocytoma and paraganglioma. Also called: Hereditary paragangliomas and pheochromocytomas; Hereditary Paraganglioma-Pheochromocytoma Syndromes; Hereditary pheochromocytoma-paraganglioma. Identifiers: Orphanet 29072, MedGen C4274332, MONDO:0017366.

gnomAD v4.1: 1 of 1,614,006 alleles (0.000062%); highest among the groups gnomAD compares: Non-Finnish European, 0.000085%; no homozygotes.

Submissions (3):

Color Diagnostics, LLC DBA Color Health
Classification: Uncertain significance for Hereditary pheochromocytoma and paraganglioma. Last evaluated: 2025-06-12. Review status: criteria provided, single submitter. Criteria: ACMG Guidelines, 2015. Collection method: clinical testing. Allele origin: germline.
Comment: This missense variant replaces arginine with leucine at codon 107 of the SDHAF2 protein. Computational prediction is inconclusive regarding the impact of this variant on protein structure and function. To our knowledge, functional studies have not been reported for this variant. This variant has not been reported in individuals affected with SDHAF2-related disorders in the literature. This variant has not been identified in the general population by the Genome Aggregation Database (gnomAD). The available evidence is insufficient to determine the role of this variant in disease conclusively. Therefore, this variant is classified as a Variant of Uncertain Significance.

Labcorp Genetics (formerly Invitae), Labcorp
Classification: Uncertain significance for Hereditary pheochromocytoma and paraganglioma. Last evaluated: 2024-10-26. Review status: criteria provided, single submitter. Criteria: Invitae Variant Classification Sherloc (09022015). Collection method: clinical testing. Allele origin: germline.
Comment: This sequence change replaces arginine, which is basic and polar, with leucine, which is neutral and non-polar, at codon 107 of the SDHAF2 protein (p.Arg107Leu). This variant is not present in population databases (gnomAD no frequency). This variant has not been reported in the literature in individuals affected with SDHAF2-related conditions. An algorithm developed to predict the effect of missense changes on protein structure and function (PolyPhen-2) suggests that this variant is likely to be disruptive. In summary, the available evidence is currently insufficient to determine the role of this variant in disease. Therefore, it has been classified as a Variant of Uncertain Significance.

Ambry Genetics
Classification: Uncertain significance for Hereditary cancer-predisposing syndrome. Last evaluated: 2023-12-05. Review status: criteria provided, single submitter. Criteria: Ambry Variant Classification Scheme 2023. Collection method: clinical testing. Allele origin: germline.
Comment: The p.R107L variant (also known as c.320G>T), located in coding exon 3 of the SDHAF2 gene, results from a G to T substitution at nucleotide position 320. The arginine at codon 107 is replaced by leucine, an amino acid with dissimilar properties. This amino acid position is conserved. In addition, this alteration is predicted to be deleterious by in silico analysis. Since supporting evidence is limited at this time, the clinical significance of this alteration remains unclear.